The following is an entry in ClinVar:

NM_000271.5(NPC1):c.3485G>C (p.Gly1162Ala)

Gene: NPC1 (NPC intracellular cholesterol transporter 1; minus strand). Cytogenetic location: 18q11.2.
Variant type: single nucleotide variant.
Coding change: c.3485G>C on transcript NM_000271.5 (MANE Select); coding-DNA position 3485, G replaced by C.
Protein change: p.Gly1162Ala; replaces glycine 1162 with alanine.
Molecular consequence: missense variant.
Genome position (GRCh38, 1-based): chr18:23,534,552, C>G on the plus strand (G>C on the coding strand, the complement: NPC1 is on the minus strand). VCF-style: chr18-23534552-C-G. GRCh37 (hg19) VCF-style: chr18-21114516-C-G.
Other names: short protein forms G1162A.
Identifiers: ClinVar variation 1698483 (VCV001698483.1), dbSNP rs1194990534, ClinGen allele CA401791084.

ClinVar aggregate classification (germline): Likely pathogenic (1 of 4 stars; one submission).

Conditions:
Niemann-Pick disease, type C (NPC). Identifiers: Orphanet 646, MedGen C0220756, MONDO:0018982.

Submission:

Women's Health and Genetics/Laboratory Corporation of America, LabCorp
Classification: Likely pathogenic for Niemann-Pick disease, type C. Last evaluated: 2022-06-01. Review status: criteria provided, single submitter. Criteria: LabCorp Variant Classification Summary - May 2015. Collection method: clinical testing. Allele origin: germline.
Comment: Variant summary: NPC1 c.3485G>C (p.Gly1162Ala) results in a non-conservative amino acid change in the encoded protein sequence. Five of five in-silico tools predict a damaging effect of the variant on protein function. The variant was absent in 250292 control chromosomes. c.3485G>C has been reported in the literature in individuals affected with Niemann-Pick Disease Type C in the homozygous state (Stampfer_2013, Mazzacuva_2016). These data indicate that the variant is likely to be associated with disease. Functional studies with cell lines containing the variant showed the variant to exhibit delayed trafficking, but predominantly localized to the endoplasmic reticulum (Shammas_2019). In a different study the variant showed a statisically significant response to vorinostat treatment (Pipalia_2017). No clinical diagnostic laboratories have submitted clinical-significance assessments for this variant to ClinVar after 2014. Based on the evidence outlined above, the variant was classified as likely pathogenic.

Literature cited by the submitters: PubMed 23433426; PubMed 28193631; PubMed 27139891; PubMed 30923329.